The following is an entry in ClinVar:

ClinVar aggregate classification (germline): Uncertain significance (1 of 4 stars; one submission).

Conditions:
Charcot-Marie-Tooth disease axonal type 2O. Also called: Charcot-Marie-Tooth disease, axonal, type 20; CHARCOT-MARIE-TOOTH NEUROPATHY, AXONAL, TYPE 2O; CHARCOT-MARIE-TOOTH DISEASE, AXONAL, AUTOSOMAL DOMINANT, TYPE 2O; Charcot-Marie-Tooth Neuropathy Type 2O. Identifiers: Orphanet 284232, MedGen C3280220, MONDO:0013644, OMIM 614228.

Submission:

Labcorp Genetics (formerly Invitae), Labcorp
Classification: Uncertain significance for Charcot-Marie-Tooth disease axonal type 2O. Last evaluated: 2023-02-01. Review status: criteria provided, single submitter. Criteria: Invitae Variant Classification Sherloc (09022015). Collection method: clinical testing. Allele origin: germline.
Comment: This sequence change replaces leucine, which is neutral and non-polar, with arginine, which is basic and polar, at codon 2149 of the DYNC1H1 protein (p.Leu2149Arg). This variant is not present in population databases (gnomAD no frequency). This variant has not been reported in the literature in individuals affected with DYNC1H1-related conditions. Advanced modeling of protein sequence and biophysical properties (such as structural, functional, and spatial information, amino acid conservation, physicochemical variation, residue mobility, and thermodynamic stability) performed at Invitae indicates that this missense variant is expected to disrupt DYNC1H1 protein function. In summary, the available evidence is currently insufficient to determine the role of this variant in disease. Therefore, it has been classified as a Variant of Uncertain Significance.

NM_001376.5(DYNC1H1):c.6446T>G (p.Leu2149Arg)

Gene: DYNC1H1 (dynein cytoplasmic 1 heavy chain 1; plus strand). Cytogenetic location: 14q32.31.
Variant type: single nucleotide variant.
Coding change: c.6446T>G on transcript NM_001376.5 (MANE Select); coding-DNA position 6446, T replaced by G.
Protein change: p.Leu2149Arg; replaces leucine 2149 with arginine.
Molecular consequence: missense variant.
Genome position (GRCh38, 1-based): chr14:102,010,780, T>G. VCF-style: chr14-102010780-T-G. GRCh37 (hg19) VCF-style: chr14-102477117-T-G.
Other names: short protein forms L2149R.
Identifiers: ClinVar variation 2833645 (VCV002833645.3), dbSNP rs2503753549, ClinGen allele CA391055382.